The following is an entry in ClinVar:

ClinVar aggregate classification (germline): Conflicting classifications of pathogenicity. Review status: criteria provided, conflicting classifications (1 of 4 stars). 2 submissions from 2 submitters: Uncertain significance (1); Likely benign (1). Last evaluated 2025-08-11.

Conditions:
Familial thoracic aortic aneurysm and aortic dissection (TAAD). Also called: Thoracic aortic aneurysms and dissections. Identifiers: Orphanet 91387, MedGen C4707243, MONDO:0019625.
Aortic aneurysm, familial thoracic 4 (AAT4). Also called: AORTIC ANEURYSM/AORTIC DISSECTION AND PATENT DUCTUS ARTERIOSUS. Identifiers: MedGen C1851504, MONDO:0007568, OMIM 132900.

Submissions (2):

Labcorp Genetics (formerly Invitae), Labcorp
Classification: Likely benign for Aortic aneurysm, familial thoracic 4. Last evaluated: 2025-08-11. Review status: criteria provided, single submitter. Criteria: Invitae Variant Classification Sherloc (09022015). Collection method: clinical testing. Allele origin: germline.

All of Us Research Program, National Institutes of Health
Classification: Uncertain significance for Familial thoracic aortic aneurysm and aortic dissection. Last evaluated: 2023-04-03. Review status: criteria provided, single submitter. Criteria: ACMG Guidelines, 2015. Collection method: clinical testing. Allele origin: germline. Inheritance: Autosomal dominant inheritance. Observed: 1 variant allele, 1 heterozygote.
Comment: This variant causes a C to G nucleotide substitution at the -5 position of intron 16 of the MYH11 gene. To our knowledge, functional studies have not been reported for this variant. This variant has not been reported in individuals affected with MYH11-related disorders in the literature. This variant has not been identified in the general population by the Genome Aggregation Database (gnomAD). The available evidence is insufficient to determine the role of this variant in disease conclusively. Therefore, this variant is classified as a Variant of Uncertain Significance.

This study involves interpretation of variants in research participants for the purpose of population health screening. Participant phenotype was not available at the time of variant classification. Additional details can be found in publication PMID: 35346344, PMCID: PMC8962531

NM_002474.3(MYH11):c.1865-5C>G

Gene: MYH11 (myosin heavy chain 11; minus strand). Cytogenetic location: 16p13.11.
Variant type: single nucleotide variant.
Coding change: c.1865-5C>G on transcript NM_002474.3 (MANE Select); 5 bases into the intron before coding-DNA position 1865, C replaced by G.
Molecular consequence: intron variant.
Genome position (GRCh38, 1-based): chr16:15,750,336, G>C on the plus strand (C>G on the coding strand, the complement: MYH11 is on the minus strand). VCF-style: chr16-15750336-G-C. GRCh37 (hg19) VCF-style: chr16-15844193-G-C.
Other names: c.1865-5C>G (NM_022844.3); c.1886-5C>G (NM_001040114.2, NM_001040113.2).
Identifiers: ClinVar variation 3070066 (VCV003070066.2), dbSNP rs759010465, ClinGen allele CA2825002397.